The following is an entry in ClinVar:

NM_003900.5(SQSTM1):c.224T>C (p.Val75Ala)

Gene: SQSTM1 (sequestosome 1; plus strand). Cytogenetic location: 5q35.3.
Variant type: single nucleotide variant.
Coding change: c.224T>C on transcript NM_003900.5 (MANE Select); coding-DNA position 224, T replaced by C.
Protein change: p.Val75Ala; replaces valine 75 with alanine.
Molecular consequence: missense variant. On other transcripts: 5 prime UTR variant (2).
Genome position (GRCh38, 1-based): chr5:179,822,976, T>C. VCF-style: chr5-179822976-T-C. GRCh37 (hg19) VCF-style: chr5-179249976-T-C.
Other names: c.-29T>C (NM_001142298.2, NM_001142299.2); short protein forms V75A.
Identifiers: ClinVar variation 1035180 (VCV001035180.9), dbSNP rs1757838607, ClinGen allele CA362443001.
Genomic context (GRCh38, chr5:179,822,976, plus strand): 5'-AGAACCCCTGGGTGCTCACGTGCTGTCTTTTAAACAATCTAGATGAGGACGGGGACTTGG[T>C]TGCCTTTTCCAGTGACGAGGAATTGACAATGGCCATGTCCTACGTGAAGGATGACATCTT-3'
Protein context (NP_003891.1, residues 65-85): AHYRDEDGDL[Val75Ala]AFSSDEELTM

ClinVar aggregate classification (germline): Uncertain significance (1 of 4 stars; one submission).

Conditions:
Frontotemporal dementia and/or amyotrophic lateral sclerosis 1 (FTDALS1). Also called: Frontotemporal dementia with motor neuron disease 1; C9orf72 Frontotemporal Dementia and/or Amyotrophic Lateral Sclerosis. Identifiers: Orphanet 275872, MedGen C5779877, MONDO:0007105, OMIM 105550.
Paget disease of bone 2, early-onset (PDB2). Also called: Paget disease of bone 2. Identifiers: MedGen C4085251, MONDO:0011183, OMIM 602080.

Submission:

Labcorp Genetics (formerly Invitae), Labcorp
Classification: Uncertain significance for Paget disease of bone 2, early-onset; Frontotemporal dementia and/or amyotrophic lateral sclerosis 1. Last evaluated: 2020-02-14. Review status: criteria provided, single submitter. Criteria: Invitae Variant Classification Sherloc (09022015). Collection method: clinical testing. Allele origin: germline.
Comment: This variant is not present in population databases (ExAC no frequency). This variant has not been reported in the literature in individuals with SQSTM1-related conditions. Algorithms developed to predict the effect of missense changes on protein structure and function are either unavailable or do not agree on the potential impact of this missense change (SIFT: "Deleterious"; PolyPhen-2: "Possibly Damaging"; Align-GVGD: "Class C15"). In summary, the available evidence is currently insufficient to determine the role of this variant in disease. Therefore, it has been classified as a Variant of Uncertain Significance. This sequence change replaces valine with alanine at codon 75 of the SQSTM1 protein (p.Val75Ala). The valine residue is moderately conserved and there is a small physicochemical difference between valine and alanine.